The following is an entry in ClinVar:

NM_182961.4(SYNE1):c.14079A>G (p.Gln4693=)

Gene: SYNE1 (spectrin repeat containing nuclear envelope protein 1; minus strand). Cytogenetic location: 6q25.2.
Variant type: single nucleotide variant.
Coding change: c.14079A>G on transcript NM_182961.4 (MANE Select); coding-DNA position 14079, A replaced by G.
Protein change: p.Gln4693=; no amino-acid change (glutamine 4693 retained).
Molecular consequence: synonymous variant.
Genome position (GRCh38, 1-based): chr6:152,330,606, T>C on the plus strand (A>G on the coding strand, the complement: SYNE1 is on the minus strand). VCF-style: chr6-152330606-T-C. GRCh37 (hg19) VCF-style: chr6-152651741-T-C.
Other names: c.13866A>G, p.Gln4622= (NM_033071.5).
Identifiers: ClinVar variation 518207 (VCV000518207.31), dbSNP rs778820710, ClinGen allele CA4056078.

ClinVar aggregate classification (germline): Conflicting classifications of pathogenicity. Review status: criteria provided, conflicting classifications (1 of 4 stars). 4 submissions from 4 submitters: Uncertain significance (1); Likely benign (3). Last evaluated 2024-06-28.

Conditions:
Autosomal recessive ataxia, Beauce type. Also called: SYNE1-Related Autosomal Recessive Cerebellar Ataxia; SYNE1 Deficiency; Spinocerebellar ataxia, autosomal recessive 8; ATAXIA, RECESSIVE, OF BEAUCE. Identifiers: Orphanet 88644, MedGen C1853116, MONDO:0012549, OMIM 610743.
Emery-Dreifuss muscular dystrophy 4, autosomal dominant (EDMD4). Also called: EMERY-DREIFUSS MUSCULAR DYSTROPHY 4 WITH VARIABLE FEATURES. Identifiers: Orphanet 261, MedGen C2751807, MONDO:0013071, OMIM 612998.

Allele frequency attached by ClinVar (database versions not stated): gnomAD 0.00001; ExAC 0.00002; gnomAD exomes 0.00002; TOPMed 0.00003.
gnomAD v4.1: 32 of 1,613,492 alleles (0.002%); highest among the groups gnomAD compares: Non-Finnish European, 0.0025%; no homozygotes.

Submissions (4):

Labcorp Genetics (formerly Invitae), Labcorp
Classification: Likely benign for Emery-Dreifuss muscular dystrophy 4, autosomal dominant; Autosomal recessive ataxia, Beauce type. Last evaluated: 2024-06-28. Review status: criteria provided, single submitter. Criteria: Invitae Variant Classification Sherloc (09022015). Collection method: clinical testing. Allele origin: germline.

CeGaT Center for Human Genetics Tuebingen
Classification: Likely benign. Last evaluated: 2022-11-01. Review status: criteria provided, single submitter. Criteria: CeGaT Center For Human Genetics Tuebingen Variant Classification Criteria Version 2. Collection method: clinical testing. Allele origin: germline. Affected: yes. Observed: 1 variant allele.
Comment: SYNE1: BP4, BP7

Eurofins Ntd Llc (ga)
Classification: Uncertain significance. Last evaluated: 2018-02-15. Review status: criteria provided, single submitter. Criteria: EGL ClinVar v180209 classification definitions. Collection method: clinical testing. Allele origin: germline. Observed: 1 variant allele, 1 heterozygote.

GeneDx
Classification: Likely benign. Last evaluated: 2017-06-29. Review status: criteria provided, single submitter. Criteria: GeneDx Variant Classification (06012015). Collection method: clinical testing. Allele origin: germline. Affected: yes.
Comment: This variant is considered likely benign or benign based on one or more of the following criteria: it is a conservative change, it occurs at a poorly conserved position in the protein, it is predicted to be benign by multiple in silico algorithms, and/or has population frequency not consistent with disease.